The following is an entry in ClinVar:

ClinVar aggregate classification (germline): Uncertain significance (1 of 4 stars; one submission).

Conditions:
Inborn genetic diseases. Identifiers: MedGen C0950123, MeSH D030342.

Submission:

Ambry Genetics
Classification: Uncertain significance for Inborn genetic diseases. Last evaluated: 2025-10-21. Review status: criteria provided, single submitter. Criteria: Ambry Variant Classification Scheme 2023. Collection method: clinical testing. Allele origin: germline.
Comment: The p.R119G variant (also known as c.355A>G), located in coding exon 4 of the FANCG gene, results from an A to G substitution at nucleotide position 355. The arginine at codon 119 is replaced by glycine, an amino acid with dissimilar properties. This amino acid position is conserved. In addition, this alteration is predicted to be tolerated by in silico analysis. Based on the available evidence, the clinical significance of this variant remains unclear.

NM_004629.2(FANCG):c.355A>G (p.Arg119Gly)

Gene: FANCG (FA complementation group G; minus strand). Cytogenetic location: 9p13.3.
Variant type: single nucleotide variant.
Coding change: c.355A>G on transcript NM_004629.2 (MANE Select); coding-DNA position 355, A replaced by G.
Protein change: p.Arg119Gly; replaces arginine 119 with glycine.
Molecular consequence: missense variant.
Genome position (GRCh38, 1-based): chr9:35,078,296, T>C on the plus strand (A>G on the coding strand, the complement: FANCG is on the minus strand). VCF-style: chr9-35078296-T-C. GRCh37 (hg19) VCF-style: chr9-35078293-T-C.
Other names: short protein forms R119G.
Identifiers: ClinVar variation 4619371 (VCV004619371.1).